The following is an entry in ClinVar:

NM_001927.4(DES):c.962T>A (p.Met321Lys)

Gene: DES (desmin; plus strand). Cytogenetic location: 2q35.
Variant type: single nucleotide variant.
Coding change: c.962T>A on transcript NM_001927.4 (MANE Select); coding-DNA position 962, T replaced by A.
Protein change: p.Met321Lys; replaces methionine 321 with lysine.
Molecular consequence: missense variant. On other transcripts: intron variant (1).
Genome position (GRCh38, 1-based): chr2:219,420,892, T>A. VCF-style: chr2-219420892-T-A. GRCh37 (hg19) VCF-style: chr2-220285614-T-A.
Other names: c.959T>A, p.Met320Lys (NM_001382708.1); c.962T>A, p.Met321Lys (NM_001382710.1, NM_001382711.1, NM_001382712.1); c.692T>A, p.Met231Lys (NM_001382713.1); c.735+546T>A (NM_001382709.1); short protein forms M321K, M231K, M320K.
Identifiers: ClinVar variation 2155459 (VCV002155459.7), dbSNP rs760197212, ClinGen allele CA2125196.

ClinVar aggregate classification (germline): Uncertain significance. Review status: criteria provided, multiple submitters, no conflicts (2 of 4 stars). 4 submissions from 4 submitters: Uncertain significance (4). Last evaluated 2026-02-24.

Conditions:
Cardiovascular phenotype. Identifiers: MedGen CN230736.
Desmin-related myofibrillar myopathy (MFM1). Also called: Desmin related myopathy (former name); Desmin storage myopathy (former name); Desminopathy; Myofibrillar myopathy 1; MYOFIBRILLAR MYOPATHY WITH ARRHYTHMOGENIC RIGHT VENTRICULAR CARDIOMYOPATHY; DESMIN-RELATED MYOPATHY WITH ARRHYTHMOGENIC RIGHT VENTRICULAR CARDIOMYOPATHY. Identifiers: Orphanet 363543, Orphanet 98909, MedGen C1832370, MONDO:0011076, OMIM 601419.

Allele frequency attached by ClinVar (database versions not stated): ExAC 0.00001.

Submissions (4):

GeneDx
Classification: Uncertain significance. Last evaluated: 2026-02-24. Review status: criteria provided, single submitter. Criteria: GeneDx Variant Classification Process June 2021. Collection method: clinical testing. Allele origin: germline.
Comment: Not observed at significant frequency in large population cohorts (gnomAD); In silico analysis suggests that this missense variant does not alter protein structure/function; Has not been previously published as pathogenic or benign to our knowledge; This variant is associated with the following publications: (PMID: 26807690)

Molecular Diagnostic Laboratory for Inherited Cardiovascular Disease, Montreal Heart Institute
Classification: Uncertain significance for Cardiovascular phenotype. Last evaluated: 2025-04-09. Review status: criteria provided, single submitter. Criteria: ACMG Guidelines, 2015. Collection method: clinical testing. Allele origin: germline. Affected: yes.

Revvity Omics, Revvity
Classification: Uncertain significance. Last evaluated: 2023-03-30. Review status: criteria provided, single submitter. Criteria: ACMG Guidelines, 2015. Collection method: clinical testing. Allele origin: germline.

Labcorp Genetics (formerly Invitae), Labcorp
Classification: Uncertain significance for Desmin-related myofibrillar myopathy. Last evaluated: 2022-09-01. Review status: criteria provided, single submitter. Criteria: Invitae Variant Classification Sherloc (09022015). Collection method: clinical testing. Allele origin: germline.
Comment: This variant is present in population databases (rs760197212, gnomAD 0.0009%). This sequence change replaces methionine, which is neutral and non-polar, with lysine, which is basic and polar, at codon 321 of the DES protein (p.Met321Lys). This variant has not been reported in the literature in individuals affected with DES-related conditions. Algorithms developed to predict the effect of missense changes on protein structure and function are either unavailable or do not agree on the potential impact of this missense change (SIFT: "Deleterious"; PolyPhen-2: "Benign"; Align-GVGD: "Class C0"). In summary, the available evidence is currently insufficient to determine the role of this variant in disease. Therefore, it has been classified as a Variant of Uncertain Significance.